The following is an entry in ClinVar:

NM_000038.6(APC):c.3015C>T (p.Ala1005=)

Gene: APC (APC regulator of Wnt signaling pathway; plus strand). Cytogenetic location: 5q22.2.
Variant type: single nucleotide variant.
Coding change: c.3015C>T on transcript NM_000038.6 (MANE Select); coding-DNA position 3015, C replaced by T.
Protein change: p.Ala1005=; no amino-acid change (alanine 1005 retained).
Molecular consequence: synonymous variant.
Genome position (GRCh38, 1-based): chr5:112,838,609, C>T. VCF-style: chr5-112838609-C-T. GRCh37 (hg19) VCF-style: chr5-112174306-C-T.
Other names: c.3015C>T, p.Ala1005= (NM_001127510.3, NM_001354895.2); c.2961C>T, p.Ala987= (NM_001127511.3); c.3069C>T, p.Ala1023= (NM_001354896.2); c.3045C>T, p.Ala1015= (NM_001354897.2); c.2940C>T, p.Ala980= (NM_001354898.2); c.2931C>T, p.Ala977= (NM_001354899.2); c.2892C>T, p.Ala964= (NM_001354900.2); c.2838C>T, p.Ala946= (NM_001354901.2); and 5 more.
Identifiers: ClinVar variation 822594 (VCV000822594.14), dbSNP rs928401523, ClinGen allele CA125167772.
Genomic context (GRCh38, chr5:112,838,609, plus strand): 5'-CTATTCTGAAGATGATGAAAGTAAGTTTTGCAGTTATGGTCAATACCCAGCCGACCTAGC[C>T]CATAAAATACATAGTGCAAATCATATGGATGATAATGATGGAGAACTAGATACACCAATA-3'
Protein context (NP_000029.2, residues 995-1015): CSYGQYPADL[Ala1005=]HKIHSANHMD

ClinVar aggregate classification (germline): Benign/Likely benign. Review status: criteria provided, multiple submitters, no conflicts (2 of 4 stars). 3 submissions from 3 submitters: Benign (1); Likely benign (2). Last evaluated 2025-09-14.

Conditions:
Hereditary cancer-predisposing syndrome. Also called: Tumor predisposition; Hereditary Cancer Syndrome; Neoplastic Syndromes, Hereditary; Hereditary neoplastic syndrome. Identifiers: Orphanet 140162, MedGen C0027672, MeSH D009386, MONDO:0015356.
Familial adenomatous polyposis 1 (FAP1). Also called: FAMILIAL ADENOMATOUS POLYPOSIS 1, ATTENUATED; POLYPOSIS, ADENOMATOUS INTESTINAL. Identifiers: MedGen C2713442, MONDO:0021056, OMIM 175100. Disease mechanism: loss of function.

Allele frequency attached by ClinVar (database versions not stated): TOPMed below 0.00001.
gnomAD v4.1: 1 of 1,613,922 alleles (0.000062%); no homozygotes.

Submissions (3):

Labcorp Genetics (formerly Invitae), Labcorp
Classification: Likely benign for Familial adenomatous polyposis 1. Last evaluated: 2025-09-14. Review status: criteria provided, single submitter. Criteria: Invitae Variant Classification Sherloc (09022015). Collection method: clinical testing. Allele origin: germline.

Myriad Genetics, Inc.
Classification: Benign for Familial adenomatous polyposis 1. Last evaluated: 2024-03-15. Review status: criteria provided, single submitter. Criteria: Myriad Autosomal Dominant, Autosomal Recessive and X-Linked Classification Criteria (2023). Collection method: clinical testing. Allele origin: unknown.
Comment: This variant is considered benign. This variant is a silent/synonymous amino acid change and it is not expected to impact splicing.

Ambry Genetics
Classification: Likely benign for Hereditary cancer-predisposing syndrome. Last evaluated: 2018-06-22. Review status: criteria provided, single submitter. Criteria: Ambry Variant Classification Scheme 2023. Collection method: clinical testing. Allele origin: germline.